The following is an entry in ClinVar:

NM_001453.3(FOXC1):c.1355G>A (p.Gly452Asp)

Gene: FOXC1 (forkhead box C1; plus strand). Cytogenetic location: 6p25.3.
Variant type: single nucleotide variant.
Coding change: c.1355G>A on transcript NM_001453.3 (MANE Select); coding-DNA position 1355, G replaced by A.
Protein change: p.Gly452Asp; replaces glycine 452 with aspartic acid.
Molecular consequence: missense variant.
Genome position (GRCh38, 1-based): chr6:1,611,800, G>A. VCF-style: chr6-1611800-G-A. GRCh37 (hg19) VCF-style: chr6-1612035-G-A.
Other names: short protein forms G452D.
Identifiers: ClinVar variation 3351918 (VCV003351918.4).
Genomic context (GRCh38, chr6:1,611,800, plus strand): 5'-CTCTGCCTCCGGTCACCAGCAGCAGCTCGTCGTCCCTGAGTCACGGCGGCGGCGGCGGCG[G>A]CGGCGGGGGAGGCCAGGAGGCCGGCCACCACCCTGCGGCCCACCAAGGCCGCCTCACCTC-3'
Protein context (NP_001444.2, residues 442-462): SSLSHGGGGG[Gly452Asp]GGGGQEAGHH

ClinVar aggregate classification (germline): Uncertain significance. Review status: criteria provided, multiple submitters, no conflicts (2 of 4 stars). 3 submissions from 3 submitters: Uncertain significance (2). 1 of the submissions does not count toward it. Last evaluated 2025-05-04.

Conditions:
Inborn genetic diseases. Identifiers: MedGen C0950123, MeSH D030342.
Axenfeld-Rieger syndrome type 3 (RIEG3). Also called: AXENFELD-RIEGER ANOMALY WITH CARDIAC DEFECTS AND/OR SENSORINEURAL HEARING LOSS. Identifiers: Orphanet 782, MedGen C2678503, MONDO:0011233, OMIM 602482.
FOXC1-related disorder. Also called: FOXC1-related condition.

gnomAD v4.1: 58 of 1,466,138 alleles (0.004%); highest among the groups gnomAD compares: Non-Finnish European, 0.0052%; no homozygotes.

Submissions (3):

Ambry Genetics
Classification: Uncertain significance for Inborn genetic diseases. Last evaluated: 2025-05-04. Review status: criteria provided, single submitter. Criteria: Ambry Variant Classification Scheme 2023. Collection method: clinical testing. Allele origin: germline.

Labcorp Genetics (formerly Invitae), Labcorp
Classification: Uncertain significance for Axenfeld-Rieger syndrome type 3. Last evaluated: 2024-04-30. Review status: criteria provided, single submitter. Criteria: Invitae Variant Classification Sherloc (09022015). Collection method: clinical testing. Allele origin: germline.
Comment: This sequence change replaces glycine, which is neutral and non-polar, with aspartic acid, which is acidic and polar, at codon 452 of the FOXC1 protein (p.Gly452Asp). The frequency data for this variant in the population databases is considered unreliable, as metrics indicate poor data quality at this position in the gnomAD database. This variant has not been reported in the literature in individuals affected with FOXC1-related conditions. An algorithm developed to predict the effect of missense changes on protein structure and function (PolyPhen-2) suggests that this variant is likely to be tolerated. In summary, the available evidence is currently insufficient to determine the role of this variant in disease. Therefore, it has been classified as a Variant of Uncertain Significance.

PreventionGenetics, part of Exact Sciences
Classification: Uncertain significance for FOXC1-related condition. Last evaluated: 2024-08-23. Review status: no assertion criteria provided. Collection method: clinical testing. Allele origin: germline. Not counted in ClinVar's aggregate classification.
Comment: The FOXC1 c.1355G>A variant is predicted to result in the amino acid substitution p.Gly452Asp. To our knowledge, this variant has not been reported in the literature. This variant is reported in 0.0044% of alleles in individuals of European (non-Finnish) descent in gnomAD. At this time, the clinical significance of this variant is uncertain due to the absence of conclusive functional and genetic evidence.